The following is an entry in ClinVar:

NM_022773.4(LMF1):c.1476C>T (p.Ala492=)

Gene: LMF1 (lipase maturation factor 1; minus strand). Cytogenetic location: 16p13.3.
Variant type: single nucleotide variant.
Coding change: c.1476C>T on transcript NM_022773.4 (MANE Select); coding-DNA position 1476, C replaced by T.
Protein change: p.Ala492=; no amino-acid change (alanine 492 retained).
Molecular consequence: synonymous variant. On other transcripts: nonsense (1), non-coding transcript variant (1).
Genome position (GRCh38, 1-based): chr16:868,997, G>A on the plus strand (C>T on the coding strand, the complement: LMF1 is on the minus strand). VCF-style: chr16-868997-G-A. GRCh37 (hg19) VCF-style: chr16-918997-G-A.
Other names: p.Ala492=; c.825C>T, p.Ala275= (NM_001352017.2, NM_001352021.2); c.1077C>T, p.Ala359= (NM_001352018.2); c.1149C>T, p.Ala383= (NM_001352019.2); c.1396C>T, p.Arg466Ter (NM_001352020.1); short protein forms R466*.
Identifiers: ClinVar variation 768736 (VCV000768736.16), dbSNP rs142258761, ClinGen allele CA7796955.
Genomic context (GRCh38, chr16:868,997, plus strand): 5'-ATCCTACCTGGGCGGGGGCCTGCCCGCGAAGGGGTTGTGTGCCAGCAGGGACAAGGCCTC[G>A]GCGTCGCTGGCCAGGAGCTTGCCAGCCAGGTGGATGATCCAGTCGTTGTGCTCGTAGGTC-3'
Protein context (NP_073610.2, residues 482-502): HLAGKLLASD[Ala492=]EALSLLAHNP

ClinVar aggregate classification (germline): Benign/Likely benign. Review status: criteria provided, multiple submitters, no conflicts (2 of 4 stars). 5 submissions from 5 submitters: Benign (3); Likely benign (2). Last evaluated 2026-01-23.

Conditions:
Cardiovascular phenotype. Identifiers: MedGen CN230736.

Allele frequency attached by ClinVar (database versions not stated): gnomAD exomes 0.00229; gnomAD 0.00901 and 0.00848; ExAC 0.00283; ESP Exome Variant Server 0.00801; 1000 Genomes Project 30x 0.01202; 1000 Genomes Project 0.01218; TOPMed 0.00983.
gnomAD v4.1: 2,605 of 1,612,562 alleles (0.16%); highest among the groups gnomAD compares: African/African-American, 2.9%; 42 homozygotes.

Submissions (5):

Labcorp Genetics (formerly Invitae), Labcorp
Classification: Benign. Last evaluated: 2026-01-23. Review status: criteria provided, single submitter. Criteria: Invitae Variant Classification Sherloc (09022015). Collection method: clinical testing. Allele origin: germline.

Mayo Clinic Laboratories, Mayo Clinic
Classification: Benign. Last evaluated: 2025-03-11. Review status: criteria provided, single submitter. Criteria: ACMG Guidelines, 2015. Collection method: clinical testing. Allele origin: germline. Observed: 1 variant allele.
Comment: BS1, BS2, BP4, BP7

Ambry Genetics
Classification: Benign for Cardiovascular phenotype. Last evaluated: 2021-03-30. Review status: criteria provided, single submitter. Criteria: Ambry Variant Classification Scheme 2023. Collection method: clinical testing. Allele origin: germline.

GeneDx
Classification: Likely benign. Last evaluated: 2020-07-30. Review status: criteria provided, single submitter. Criteria: GeneDx Variant Classification Process June 2021. Collection method: clinical testing. Allele origin: germline. Affected: yes.

Breakthrough Genomics
Classification: Likely benign. Review status: criteria provided, single submitter. Criteria: ACMG Guidelines, 2015. Collection method: not provided. Allele origin: germline. Inheritance: Autosomal recessive inheritance. Affected: yes.